The following is an entry in ClinVar:

ClinVar aggregate classification (germline): Uncertain significance (1 of 4 stars; one submission).

Submission:

Labcorp Genetics (formerly Invitae), Labcorp
Classification: Uncertain significance. Last evaluated: 2023-03-18. Review status: criteria provided, single submitter. Criteria: Invitae Variant Classification Sherloc (09022015). Collection method: clinical testing. Allele origin: germline.
Comment: In summary, the available evidence is currently insufficient to determine the role of this variant in disease. Therefore, it has been classified as a Variant of Uncertain Significance. An algorithm developed to predict the effect of missense changes on protein structure and function (PolyPhen-2) suggests that this variant is likely to be disruptive. This variant has not been reported in the literature in individuals affected with CACNA1D-related conditions. This variant is not present in population databases (gnomAD no frequency). This sequence change replaces proline, which is neutral and non-polar, with alanine, which is neutral and non-polar, at codon 1672 of the CACNA1D protein (p.Pro1672Ala).

NM_001128840.3(CACNA1D):c.4954C>G (p.Pro1652Ala)

Gene: CACNA1D (calcium voltage-gated channel subunit alpha1 D; plus strand). Cytogenetic location: 3p21.1.
Variant type: single nucleotide variant.
Coding change: c.4954C>G on transcript NM_001128840.3 (MANE Select); coding-DNA position 4954, C replaced by G.
Protein change: p.Pro1652Ala; replaces proline 1652 with alanine.
Molecular consequence: missense variant.
Genome position (GRCh38, 1-based): chr3:53,800,279, C>G. VCF-style: chr3-53800279-C-G. GRCh37 (hg19) VCF-style: chr3-53834306-C-G.
Other names: c.5014C>G, p.Pro1672Ala (NM_000720.4); c.4909C>G, p.Pro1637Ala (NM_001128839.3); short protein forms P1672A, P1637A, P1652A.
Identifiers: ClinVar variation 2847028 (VCV002847028.3), dbSNP rs774251205, ClinGen allele CA353249552.